The following is an entry in ClinVar:

ClinVar aggregate classification (germline): Conflicting classifications of pathogenicity. Review status: criteria provided, conflicting classifications (1 of 4 stars). 4 submissions from 4 submitters: Uncertain significance (3); Likely benign (1). Last evaluated 2025-11-03.

Conditions:
IGF1R-related disorder. Also called: IGF1R-related condition.

Allele frequency attached by ClinVar (database versions not stated): ExAC 0.00012; gnomAD 0.00041; ESP Exome Variant Server 0.00054.
gnomAD v4.1: 108 of 1,614,106 alleles (0.0067%); highest among the groups gnomAD compares: African/African-American, 0.12%; no homozygotes.

Submissions (4):

Labcorp Genetics (formerly Invitae), Labcorp
Classification: Likely benign. Last evaluated: 2025-11-03. Review status: criteria provided, single submitter. Criteria: Invitae Variant Classification Sherloc (09022015). Collection method: clinical testing. Allele origin: germline.

PreventionGenetics, part of Exact Sciences
Classification: Uncertain significance for IGF1R-related condition. Last evaluated: 2025-09-12. Review status: criteria provided, single submitter. Criteria: ACMG Guidelines, 2015. Collection method: clinical testing. Allele origin: germline.
Comment: The IGF1R c.2240A>G variant is predicted to result in the amino acid substitution p.Asn747Ser. To our knowledge, this variant has not been reported in the literature. This variant is reported in 0.11% of alleles in individuals of African descent in gnomAD. At this time, the clinical significance of this variant is uncertain due to the absence of conclusive functional and genetic evidence.

Blueprint Genetics
Classification: Uncertain significance. Last evaluated: 2024-03-05. Review status: criteria provided, single submitter. Criteria: ACMG Guidelines, 2015. Collection method: clinical testing. Allele origin: germline.

GeneDx
Classification: Uncertain significance. Last evaluated: 2023-05-16. Review status: criteria provided, single submitter. Criteria: GeneDx Variant Classification Process June 2021. Collection method: clinical testing. Allele origin: germline. Affected: yes.
Comment: In silico analysis supports that this missense variant has a deleterious effect on protein structure/function; Has not been previously published as pathogenic or benign to our knowledge

NM_000875.5(IGF1R):c.2240A>G (p.Asn747Ser)

Gene: IGF1R (insulin like growth factor 1 receptor; plus strand). Cytogenetic location: 15q26.3.
Variant type: single nucleotide variant.
Coding change: c.2240A>G on transcript NM_000875.5 (MANE Select); coding-DNA position 2240, A replaced by G.
Protein change: p.Asn747Ser; replaces asparagine 747 with serine.
Molecular consequence: missense variant.
Genome position (GRCh38, 1-based): chr15:98,922,186, A>G. VCF-style: chr15-98922186-A-G. GRCh37 (hg19) VCF-style: chr15-99465415-A-G.
Other names: c.2240A>G, p.Asn747Ser (NM_001291858.2); c.2240A>G (NM_000875.3, NM_000875.4); short protein forms N747S.
Identifiers: ClinVar variation 2150403 (VCV002150403.7), dbSNP rs146902252, ClinGen allele CA7752353.